The following is an entry in ClinVar:

ClinVar aggregate classification (germline): Pathogenic (1 of 4 stars; one submission).

Conditions:
Bloom syndrome (BLM). Also called: Bloom-Torre-Machacek syndrome. Identifiers: Orphanet 125, MedGen C0005859, MONDO:0008876, OMIM 210900.

Submission:

Labcorp Genetics (formerly Invitae), Labcorp
Classification: Pathogenic for Bloom syndrome. Last evaluated: 2020-11-02. Review status: criteria provided, single submitter. Criteria: Invitae Variant Classification Sherloc (09022015). Collection method: clinical testing. Allele origin: germline.
Comment: Loss-of-function variants in BLM are known to be pathogenic (PMID: 17407155). For these reasons, this variant has been classified as Pathogenic. This variant has not been reported in the literature in individuals with BLM-related disease. This variant is not present in population databases (ExAC no frequency). This sequence change creates a premature translational stop signal (p.Glu279*) in the BLM gene. It is expected to result in an absent or disrupted protein product.

Literature cited by the submitters: PubMed 17407155.

NM_000057.4(BLM):c.835G>T (p.Glu279Ter)

Gene: BLM (BLM RecQ like helicase; plus strand). Cytogenetic location: 15q26.1.
Variant type: single nucleotide variant.
Coding change: c.835G>T on transcript NM_000057.4 (MANE Select); coding-DNA position 835, G replaced by T.
Protein change: p.Glu279Ter; replaces glutamic acid 279 with a stop codon.
Molecular consequence: nonsense. On other transcripts: 5 prime UTR variant (1).
Genome position (GRCh38, 1-based): chr15:90,751,822, G>T. VCF-style: chr15-90751822-G-T. GRCh37 (hg19) VCF-style: chr15-91295052-G-T.
Other names: c.835G>T, p.Glu279Ter (NM_001287246.2, NM_001287247.2); c.-457G>T (NM_001287248.2); short protein forms E279*.
Identifiers: ClinVar variation 582201 (VCV000582201.8), dbSNP rs1567036566, ClinGen allele CA393841693.
Genomic context (GRCh38, chr15:90,751,822, plus strand): 5'-ATGTTTATCAACTGTTTTACTGTAGATAATAGCGAAAAGAAGAAGAATTTGGAAGAAGCT[G>T]AATTACATTCAACTGAGAAAGTTCCATGTATTGAATTTGATGATGATGATTATGATACGG-3'